The following is an entry in ClinVar:

NM_014336.5(AIPL1):c.512dup (p.Asn171fs)

Gene: AIPL1 (AIP like 1 HSP90 co-chaperone; minus strand). Cytogenetic location: 17p13.2.
Variant type: Duplication.
Coding change: c.512dup on transcript NM_014336.5 (MANE Select); coding-DNA position 512, one base duplicated (A; older notation c.512dupA).
Protein change: p.Asn171fs; shifts the reading frame from asparagine 171.
Molecular consequence: frameshift variant.
Genome position (GRCh38, 1-based): chr17:6,427,011, T duplicated on the plus strand (A on the coding strand, the reverse complement: AIPL1 is on the minus strand); the first of 2 consecutive T bases (chr17:6,427,011-6,427,012); duplicating either gives the same sequence. VCF-style (leftmost placement, unchanged base first): chr17-6427010-A-AT. GRCh37 (hg19) VCF-style: chr17-6330330-A-AT.
Other names: c.323dup, p.Asn108fs (NM_001033054.3); c.332dup, p.Asn111fs (NM_001033055.3); c.476dup, p.Asn159fs (NM_001285399.3); c.446dup, p.Asn149fs (NM_001285400.3); c.512dup, p.Asn171fs (NM_001285401.3); c.395dup, p.Asn132fs (NM_001285402.2); c.488dup, p.Asn163fs (NM_001285403.4); short protein forms N108fs, N111fs, N132fs, N149fs, N159fs, N163fs, N171fs.
Identifiers: ClinVar variation 1071352 (VCV001071352.7), dbSNP rs1912058703, ClinGen allele CA2245347884.
Genomic context (GRCh38, chr17:6,427,010, plus strand): 5'-CAGCTTGAAGAGCCGATTTCCCTCTCCGTGGAGGACGGGCACCGCCTTCATCTTCTCATG[A>AT]TTGCTCAGGTTCCAGGTCTCCCTCTGGTAATCACTCGGGGCATCAACCTGGCCCCAGAGC-3'

ClinVar aggregate classification (germline): Pathogenic (1 of 4 stars; one submission).

Conditions:
Leber congenital amaurosis 4 (LCA4). Identifiers: MedGen C1858386, MONDO:0011458, OMIM 604393.

Submission:

Labcorp Genetics (formerly Invitae), Labcorp
Classification: Pathogenic for Leber congenital amaurosis 4. Last evaluated: 2024-03-07. Review status: criteria provided, single submitter. Criteria: Invitae Variant Classification Sherloc (09022015). Collection method: clinical testing. Allele origin: germline.
Comment: This sequence change creates a premature translational stop signal (p.Asn171Lysfs*3) in the AIPL1 gene. It is expected to result in an absent or disrupted protein product. Loss-of-function variants in AIPL1 are known to be pathogenic (PMID: 10615133, 15249368, 15347646). This variant is not present in population databases (gnomAD no frequency). This variant has not been reported in the literature in individuals affected with AIPL1-related conditions. ClinVar contains an entry for this variant (Variation ID: 1071352). For these reasons, this variant has been classified as Pathogenic.

Literature cited by the submitters: PubMed 10615133; PubMed 15249368; PubMed 15347646.